The following is an entry in ClinVar:

NC_000023.11:g.18650497C>T

Genes: CDKL5 (cyclin dependent kinase like 5; plus strand), RS1 (retinoschisin 1; minus strand). Cytogenetic location: Xp22.13.
Variant type: single nucleotide variant.
Molecular consequence: intron variant (on NM_000330.4). On other transcripts: missense variant (2).
Genome position: GRCh38 VCF-style: chrX-18650497-C-T. GRCh37 (hg19) VCF-style: chrX-18668617-C-T.
Other names: c.2885C>T, p.Ala962Val (NM_001037343.2, NM_003159.3); c.185-3165G>A (NM_000330.4); short protein forms A962V.
Identifiers: ClinVar variation 1945060 (VCV001945060.5), dbSNP rs2518930502, ClinGen allele CA412373463.
Genomic context (GRCh38, chrX:18,650,497, plus strand): 5'-AGAAGCCTCACACTCCGTGCGTCCCAAACCGAGCCCTTCATCGTCCAATCTCCAGTCCTG[C>T]TCCCTATCCAGTACTCCAGGTCCGAGGCACTTCCATGTGCCCGACACTCCAGGTCCGAGG-3'

ClinVar aggregate classification (germline): Uncertain significance (1 of 4 stars; one submission).

Conditions:
Developmental and epileptic encephalopathy, 2 (DEE2). Also called: INFANTILE SPASM SYNDROME, X-LINKED 2; CDKL5 deficiency disorder. Identifiers: Orphanet 1934, Orphanet 3451, Orphanet 505652, MedGen C4750718, MONDO:0010396, OMIM 300672.
Angelman syndrome-like. Identifiers: MedGen CN128785.

Submission:

Labcorp Genetics (formerly Invitae), Labcorp
Classification: Uncertain significance for Developmental and epileptic encephalopathy, 2; Angelman syndrome-like. Last evaluated: 2022-10-25. Review status: criteria provided, single submitter. Criteria: Invitae Variant Classification Sherloc (09022015). Collection method: clinical testing. Allele origin: germline.
Comment: This variant is not present in population databases (gnomAD no frequency). This sequence change replaces alanine, which is neutral and non-polar, with valine, which is neutral and non-polar, at codon 962 of the CDKL5 protein (p.Ala962Val). This variant has not been reported in the literature in individuals affected with CDKL5-related conditions. Advanced modeling of protein sequence and biophysical properties (such as structural, functional, and spatial information, amino acid conservation, physicochemical variation, residue mobility, and thermodynamic stability) performed at Invitae indicates that this missense variant is not expected to disrupt CDKL5 protein function. In summary, the available evidence is currently insufficient to determine the role of this variant in disease. Therefore, it has been classified as a Variant of Uncertain Significance.